The following is an entry in ClinVar:

NM_001330677.2(TBX15):c.806C>T (p.Thr269Met)

Gene: TBX15 (T-box transcription factor 15; minus strand). Cytogenetic location: 1p12.
Variant type: single nucleotide variant.
Coding change: c.806C>T on transcript NM_001330677.2 (MANE Select); coding-DNA position 806, C replaced by T.
Protein change: p.Thr269Met; replaces threonine 269 with methionine.
Molecular consequence: missense variant.
Genome position (GRCh38, 1-based): chr1:118,923,491, G>A on the plus strand (C>T on the coding strand, the complement: TBX15 is on the minus strand). VCF-style: chr1-118923491-G-A. GRCh37 (hg19) VCF-style: chr1-119466114-G-A.
Other names: c.488C>T, p.Thr163Met (NM_152380.3); short protein forms T269M, T163M.
Identifiers: ClinVar variation 5006540 (VCV005006540.2).

ClinVar aggregate classification (germline): Uncertain significance (1 of 4 stars; one submission).

Conditions:
Pelviscapular dysplasia. Identifiers: Orphanet 93333, MedGen C1850040, MONDO:0009845, OMIM 260660.

gnomAD v4.1: 14 of 1,613,796 alleles (0.00087%); highest among the groups gnomAD compares: African/African-American, 0.011%; no homozygotes.

Submission:

Juno Genomics, Hangzhou Juno Genomics, Inc
Classification: Uncertain significance for Pelviscapular dysplasia. Review status: criteria provided, single submitter. Criteria: ACMG Guidelines, 2015. Collection method: clinical testing. Allele origin: germline.
Comment: Absent from controls (or at extremely low frequency if recessive) in Genome Aggregation Database.;Multiple lines of computational evidence support a deleterious effect on the gene or gene product.